The following is an entry in ClinVar:

NM_001291415.2(KDM6A):c.2161C>T (p.Leu721Phe)

Gene: KDM6A (lysine demethylase 6A; plus strand). Cytogenetic location: Xp11.3.
Variant type: single nucleotide variant.
Coding change: c.2161C>T on transcript NM_001291415.2 (MANE Select); coding-DNA position 2161, C replaced by T.
Protein change: p.Leu721Phe; replaces leucine 721 with phenylalanine.
Molecular consequence: missense variant. On other transcripts: non-coding transcript variant (1).
Genome position (GRCh38, 1-based): chrX:45,069,660, C>T. VCF-style: chrX-45069660-C-T. GRCh37 (hg19) VCF-style: chrX-44928905-C-T.
Other names: c.2059C>T, p.Leu687Phe (NM_001419810.1, NM_001419813.1); c.2026C>T, p.Leu676Phe (NM_001419811.1, NM_001291416.2); c.2005C>T, p.Leu669Phe (NM_001419812.1, NM_021140.4); c.1903C>T, p.Leu635Phe (NM_001419814.1, NM_001410742.1); c.1768C>T, p.Leu590Phe (NM_001419815.1, NM_001291418.2); c.1117C>T, p.Leu373Phe (NM_001291421.2); c.2161C>T, p.Leu721Phe (NM_001419809.1); c.1870C>T, p.Leu624Phe (NM_001291417.2); short protein forms L373F, L590F, L624F, L635F, L669F, L676F, L687F, L721F.
Identifiers: ClinVar variation 3620025 (VCV003620025.2).
Genomic context (GRCh38, chrX:45,069,660, plus strand): 5'-TCACATTCGGCAGGTCCTAATGGTGAACGACCTCTCTCTTCCACTGGGCCTTCCCAGCAT[C>T]TCCAGGCAGCTGGCTCTGGTATTCAGAATCAGAACGGACATCCCACCCTGCCTAGCAATT-3'
Protein context (NP_001278344.1, residues 711-731): PLSSTGPSQH[Leu721Phe]QAAGSGIQNQ

ClinVar aggregate classification (germline): Uncertain significance (1 of 4 stars; one submission).

Conditions:
Kabuki syndrome 2 (KABUK2). Also called: KDM6A-Related Kabuki Syndrome. Identifiers: Orphanet 2322, MedGen C3275495, MONDO:0010465, OMIM 300867.

Submission:

Labcorp Genetics (formerly Invitae), Labcorp
Classification: Uncertain significance for Kabuki syndrome 2. Last evaluated: 2025-07-14. Review status: criteria provided, single submitter. Criteria: Invitae Variant Classification Sherloc (09022015). Collection method: clinical testing. Allele origin: germline.
Comment: This sequence change replaces leucine, which is neutral and non-polar, with phenylalanine, which is neutral and non-polar, at codon 669 of the KDM6A protein (p.Leu669Phe). This variant is not present in population databases (gnomAD no frequency). This variant has not been reported in the literature in individuals affected with KDM6A-related conditions. ClinVar contains an entry for this variant (Variation ID: 3620025). Invitae Evidence Modeling of protein sequence and biophysical properties (such as structural, functional, and spatial information, amino acid conservation, physicochemical variation, residue mobility, and thermodynamic stability) indicates that this missense variant is not expected to disrupt KDM6A protein function with a negative predictive value of 80%. In summary, the available evidence is currently insufficient to determine the role of this variant in disease. Therefore, it has been classified as a Variant of Uncertain Significance.